The following is an entry in ClinVar:

GRCh38/hg38 16p13.12-12.3(chr16:14609647-18765817)x3

Genes: PDXDC1 (pyridoxal dependent decarboxylase domain containing 1), PLA2G10 (phospholipase A2 group X; minus strand), RRN3 (RRN3 homolog, RNA polymerase I transcription factor), XYLT1 (xylosyltransferase 1; minus strand), ABCC1 (ATP binding cassette subfamily C member 1 (ABCC1 blood group); plus strand) and 98 more. Cytogenetic location: 16p13.12-12.3.
Variant type: copy number gain.
Change: copy number 3 (three copies instead of two) of chr16:14,609,647-18,765,817 (4.16 Mb, GRCh38 coordinates, 1-based), cytogenetic band 16p13.12-12.3.
Identifiers: ClinVar variation 57619 (VCV000057619.2).

ClinVar aggregate classification (germline): Uncertain significance (1 of 4 stars; one submission).

Submission:

ISCA Site 6
Classification: Uncertain significance. Last evaluated: 2011-08-12. Review status: criteria provided, single submitter. Criteria: Kaminsky et al. (Genet Med. 2011). Collection method: clinical testing. Allele origin: paternal. Affected: yes. Observed: 1 variant allele.
Comment: Copy number variation identified through the course of routine clinical cytogenomic testing in postnatal populations. Clinical assertions have been curated as described in Kaminsky et al. 2011.